The following is an entry in ClinVar:

ClinVar aggregate classification (germline): Uncertain significance (1 of 4 stars; one submission).

Allele frequency attached by ClinVar (database versions not stated): gnomAD exomes below 0.00001.

Submission:

Labcorp Genetics (formerly Invitae), Labcorp
Classification: Uncertain significance. Last evaluated: 2024-11-13. Review status: criteria provided, single submitter. Criteria: Invitae Variant Classification Sherloc (09022015). Collection method: clinical testing. Allele origin: germline.
Comment: This sequence change replaces cysteine, which is neutral and slightly polar, with tyrosine, which is neutral and polar, at codon 518 of the FN1 protein (p.Cys518Tyr). This variant is not present in population databases (gnomAD no frequency). This variant has not been reported in the literature in individuals affected with FN1-related conditions. ClinVar contains an entry for this variant (Variation ID: 3008213). An algorithm developed to predict the effect of missense changes on protein structure and function (PolyPhen-2) suggests that this variant is likely to be disruptive. In summary, the available evidence is currently insufficient to determine the role of this variant in disease. Therefore, it has been classified as a Variant of Uncertain Significance.

NM_212482.4(FN1):c.1553G>A (p.Cys518Tyr)

Genes: FN1 (fibronectin 1; minus strand), LOC122861289 (Sharpr-MPRA regulatory region 10603; plus strand). Cytogenetic location: 2q35.
Variant type: single nucleotide variant.
Coding change: c.1553G>A on transcript NM_212482.4 (MANE Select); coding-DNA position 1553, G replaced by A.
Protein change: p.Cys518Tyr; replaces cysteine 518 with tyrosine.
Molecular consequence: missense variant.
Genome position (GRCh38, 1-based): chr2:215,420,795, C>T on the plus strand (G>A on the coding strand, the complement: FN1 is on the minus strand). VCF-style: chr2-215420795-C-T. GRCh37 (hg19) VCF-style: chr2-216285518-C-T.
Other names: c.1553G>A, p.Cys518Tyr (NM_212476.3, NM_212478.3, NM_001306129.2 and 14 more transcripts); short protein forms C518Y.
Identifiers: ClinVar variation 3008213 (VCV003008213.3), dbSNP rs2470310383, ClinGen allele CA350468734.